The following is an entry in ClinVar:

ClinVar aggregate classification (germline): Uncertain significance (1 of 4 stars; one submission).

Conditions:
Dystonia 5 (DRD). Also called: DYT-GCH1; GTP Cyclohydrolase 1-Deficient Dopa-Responsive Dystonia; DYSTONIA, PROGRESSIVE, WITH DIURNAL VARIATION; DYSTONIA-PARKINSONISM WITH DIURNAL FLUCTUATION; Dystonia, DOPA-responsive, with or without hyperphenylalaninemia. Identifiers: Orphanet 98808, MedGen C1851920, MONDO:0007495, OMIM 128230.
GTP cyclohydrolase I deficiency. Identifiers: MedGen C0268467, MONDO:0100184.

Allele frequency attached by ClinVar (database versions not stated): TOPMed below 0.00001; gnomAD 0.00001; gnomAD exomes 0.00002.
gnomAD v4.1: 17 of 1,610,750 alleles (0.0011%); highest among the groups gnomAD compares: African/African-American, 0.0013%; no homozygotes.

Submission:

Labcorp Genetics (formerly Invitae), Labcorp
Classification: Uncertain significance for GTP cyclohydrolase I deficiency; Dystonia 5. Last evaluated: 2025-03-11. Review status: criteria provided, single submitter. Criteria: Invitae Variant Classification Sherloc (09022015). Collection method: clinical testing. Allele origin: germline.
Comment: This sequence change replaces threonine, which is neutral and polar, with methionine, which is neutral and non-polar, at codon 194 of the GCH1 protein (p.Thr194Met). This variant is present in population databases (no rsID available, gnomAD 0.007%). This variant has not been reported in the literature in individuals affected with GCH1-related conditions. ClinVar contains an entry for this variant (Variation ID: 2070680). Invitae Evidence Modeling of protein sequence and biophysical properties (such as structural, functional, and spatial information, amino acid conservation, physicochemical variation, residue mobility, and thermodynamic stability) indicates that this missense variant is not expected to disrupt GCH1 protein function with a negative predictive value of 80%. In summary, the available evidence is currently insufficient to determine the role of this variant in disease. Therefore, it has been classified as a Variant of Uncertain Significance.

NM_000161.3(GCH1):c.581C>T (p.Thr194Met)

Gene: GCH1 (GTP cyclohydrolase 1; minus strand). Cytogenetic location: 14q22.2.
Variant type: single nucleotide variant.
Coding change: c.581C>T on transcript NM_000161.3 (MANE Select); coding-DNA position 581, C replaced by T.
Protein change: p.Thr194Met; replaces threonine 194 with methionine.
Molecular consequence: missense variant.
Genome position (GRCh38, 1-based): chr14:54,845,813, G>A on the plus strand (C>T on the coding strand, the complement: GCH1 is on the minus strand). VCF-style: chr14-54845813-G-A. GRCh37 (hg19) VCF-style: chr14-55312531-G-A.
Other names: c.581C>T, p.Thr194Met (NM_001024024.2, NM_001024070.2, NM_001024071.2); short protein forms T194M.
Identifiers: ClinVar variation 2070680 (VCV002070680.4), dbSNP rs1008663334, ClinGen allele CA260544149.